The following is an entry in ClinVar:

ClinVar aggregate classification (germline): Uncertain significance (1 of 4 stars; one submission).

Conditions:
Bethlem myopathy 1A. Also called: MYOPATHY, BENIGN CONGENITAL, WITH CONTRACTURES; Bethlem myopathy 1; Bethlem Muscular Dystrophy. Identifiers: Orphanet 610, MedGen CN029274, MONDO:0024530, OMIM 158810.

gnomAD v4.1: 13 of 1,610,190 alleles (0.00081%); highest among the groups gnomAD compares: Non-Finnish European, 0.00093%; no homozygotes.

Submission:

Labcorp Genetics (formerly Invitae), Labcorp
Classification: Uncertain significance for Bethlem myopathy 1A. Last evaluated: 2025-08-19. Review status: criteria provided, single submitter. Criteria: Invitae Variant Classification Sherloc (09022015). Collection method: clinical testing. Allele origin: germline.
Comment: This sequence change falls in intron 11 of the COL6A2 gene. It does not directly change the encoded amino acid sequence of the COL6A2 protein. It affects a nucleotide within the consensus splice site. This variant is present in population databases (rs764251094, gnomAD 0.003%). This variant has not been reported in the literature in individuals affected with COL6A2-related conditions. Variants that disrupt the consensus splice site are a relatively common cause of aberrant splicing (PMID: 17576681, 9536098). Algorithms developed to predict the effect of sequence changes on RNA splicing suggest that this variant may disrupt the consensus splice site. In summary, the available evidence is currently insufficient to determine the role of this variant in disease. Therefore, it has been classified as a Variant of Uncertain Significance.

Literature cited by the submitters: PubMed 17576681; PubMed 9536098.

NM_001849.4(COL6A2):c.1054-3C>G

Gene: COL6A2 (collagen type VI alpha 2 chain; plus strand). Cytogenetic location: 21q22.3.
Variant type: single nucleotide variant.
Coding change: c.1054-3C>G on transcript NM_001849.4 (MANE Select); 3 bases into the intron before coding-DNA position 1054, C replaced by G.
Molecular consequence: intron variant.
Genome position (GRCh38, 1-based): chr21:46,117,871, C>G. VCF-style: chr21-46117871-C-G. GRCh37 (hg19) VCF-style: chr21-47537785-C-G.
Other names: c.1054-3C>G (NM_058175.3, NM_058174.3).
Identifiers: ClinVar variation 4744126 (VCV004744126.1).